The following is an entry in ClinVar:

ClinVar aggregate classification (germline): Likely benign (1 of 4 stars; one submission).

Conditions:
Tuberous sclerosis 2 (TSC2). Identifiers: Orphanet 805, MedGen C1860707, MONDO:0013199, OMIM 613254.

Submission:

Myriad Genetics, Inc.
Classification: Likely benign for Tuberous sclerosis 2. Last evaluated: 2025-04-30. Review status: criteria provided, single submitter. Criteria: Myriad Autosomal Dominant, Autosomal Recessive and X-Linked Classification Criteria (2023). Collection method: clinical testing. Allele origin: unknown.
Comment: This variant is considered likely benign. This variant is intronic and is not expected to impact mRNA splicing.

NM_000548.5(TSC2):c.138+10C>A

Gene: TSC2 (TSC complex subunit 2; plus strand). Cytogenetic location: 16p13.3.
Variant type: single nucleotide variant.
Coding change: c.138+10C>A on transcript NM_000548.5 (MANE Select); 10 bases into the intron after coding-DNA position 138, C replaced by A.
Molecular consequence: intron variant.
Genome position (GRCh38, 1-based): chr16:2,048,763, C>A. VCF-style: chr16-2048763-C-A. GRCh37 (hg19) VCF-style: chr16-2098764-C-A.
Other names: c.-1600+10C>A (NM_001406693.1); c.138+10C>A (NM_001406667.1, NM_001406668.1, NM_001114382.3 and 13 more transcripts); c.-679+10C>A (NM_001406680.1, NM_001406683.1, NM_001406687.1); c.-1294+10C>A (NM_001406689.1, NM_001406690.1, NM_001406692.1 and 2 more transcripts); c.-1470+10C>A (NM_001406698.1); c.-1175+10C>A (NM_001406694.1, NM_001406695.1); c.-1282+10C>A (NM_001406696.1); c.-308+10C>A (NM_001406681.1); and 4 more.
Identifiers: ClinVar variation 4071091 (VCV004071091.1).